The following is an entry in ClinVar:

NM_001378454.1(ALMS1):c.12473A>T (p.Asn4158Ile)

Gene: ALMS1 (ALMS1 centrosome and basal body associated protein; plus strand). Cytogenetic location: 2p13.1.
Variant type: single nucleotide variant.
Coding change: c.12473A>T on transcript NM_001378454.1 (MANE Select); coding-DNA position 12473, A replaced by T.
Protein change: p.Asn4158Ile; replaces asparagine 4158 with isoleucine.
Molecular consequence: missense variant.
Genome position (GRCh38, 1-based): chr2:73,609,578, A>T. VCF-style: chr2-73609578-A-T. GRCh37 (hg19) VCF-style: chr2-73836705-A-T.
Other names: c.12476A>T, p.Asn4159Ile (NM_015120.4); short protein forms N4158I, N4159I.
Identifiers: ClinVar variation 1309255 (VCV001309255.3), dbSNP rs752828644, ClinGen allele CA347276389.

ClinVar aggregate classification (germline): Uncertain significance. Review status: criteria provided, multiple submitters, no conflicts (2 of 4 stars). 2 submissions from 2 submitters: Uncertain significance (2). Last evaluated 2022-03-02.

Conditions:
Alstrom syndrome (ALMS). Identifiers: Orphanet 64, MedGen C0268425, MONDO:0008763, OMIM 203800.

Allele frequency attached by ClinVar (database versions not stated): gnomAD 0.00001.
gnomAD v4.1: 4 of 1,614,014 alleles (0.00025%); highest among the groups gnomAD compares: African/African-American, 0.0053%; no homozygotes.

Submissions (2):

Labcorp Genetics (formerly Invitae), Labcorp
Classification: Uncertain significance for Alstrom syndrome. Last evaluated: 2022-03-02. Review status: criteria provided, single submitter. Criteria: Invitae Variant Classification Sherloc (09022015). Collection method: clinical testing. Allele origin: germline.
Comment: This sequence change replaces asparagine, which is neutral and polar, with isoleucine, which is neutral and non-polar, at codon 4159 of the ALMS1 protein (p.Asn4159Ile). This variant is not present in population databases (gnomAD no frequency). This variant has not been reported in the literature in individuals affected with ALMS1-related conditions. ClinVar contains an entry for this variant (Variation ID: 1309255). Experimental studies and prediction algorithms are not available or were not evaluated, and the functional significance of this variant is currently unknown. In summary, the available evidence is currently insufficient to determine the role of this variant in disease. Therefore, it has been classified as a Variant of Uncertain Significance.

GeneDx
Classification: Uncertain significance. Last evaluated: 2019-10-15. Review status: criteria provided, single submitter. Criteria: GeneDx Variant Classification Process June 2021. Collection method: clinical testing. Allele origin: germline. Affected: yes.
Comment: Not observed in large population cohorts (Lek et al., 2016); In silico analysis, which includes protein predictors and evolutionary conservation, supports a deleterious effect; Has not been previously published as pathogenic or benign to our knowledge